The following is an entry in ClinVar:

NM_001165963.4(SCN1A):c.3712G>A (p.Glu1238Lys)

Genes: SCN1A (sodium voltage-gated channel alpha subunit 1; minus strand), LOC102724058 (uncharacterized LOC102724058; plus strand). Cytogenetic location: 2q24.3.
Variant type: single nucleotide variant.
Coding change: c.3712G>A on transcript NM_001165963.4 (MANE Select); coding-DNA position 3712, G replaced by A.
Protein change: p.Glu1238Lys; replaces glutamic acid 1238 with lysine.
Molecular consequence: missense variant. On other transcripts: non-coding transcript variant (1).
Genome position (GRCh38, 1-based): chr2:166,012,276, C>T on the plus strand (G>A on the coding strand, the complement: SCN1A is on the minus strand). VCF-style: chr2-166012276-C-T. GRCh37 (hg19) VCF-style: chr2-166868786-C-T.
Other names: c.3628G>A, p.Glu1210Lys (NM_001353957.2, NM_001353958.2, NM_001165964.3); c.3625G>A, p.Glu1209Lys (NM_001353960.2); c.1270G>A, p.Glu424Lys (NM_001353961.2); c.3679G>A, p.Glu1227Lys (NM_006920.6, NM_001353949.2, NM_001353950.2 and 2 more transcripts); c.3712G>A, p.Glu1238Lys (NM_001202435.3, NM_001353948.2); c.3676G>A, p.Glu1226Lys (NM_001353954.2, NM_001353955.2); short protein forms E1210K, E1238K, E1209K, E1226K, E1227K, E424K.
Identifiers: ClinVar variation 808859 (VCV000808859.46), dbSNP rs750364705, ClinGen allele CA349054681.

ClinVar aggregate classification (germline): Conflicting classifications of pathogenicity. Review status: criteria provided, conflicting classifications (1 of 4 stars). 2 submissions from 2 submitters: Likely pathogenic (1); Uncertain significance (1). Last evaluated 2022-05-04.

Conditions:
Early-infantile DEE. Also called: Early infantile epileptic encephalopathy with suppression bursts; Early infantile epileptic encephalopathy; Ohtahara syndrome. Identifiers: Orphanet 1934, MedGen C0393706, MONDO:0800491.

Submissions (2):

Labcorp Genetics (formerly Invitae), Labcorp
Classification: Likely pathogenic for Early-infantile DEE. Last evaluated: 2022-05-04. Review status: criteria provided, single submitter. Criteria: Invitae Variant Classification Sherloc (09022015). Collection method: clinical testing. Allele origin: germline.
Comment: In summary, the currently available evidence indicates that the variant is pathogenic, but additional data are needed to prove that conclusively. Therefore, this variant has been classified as Likely Pathogenic. Advanced modeling of protein sequence and biophysical properties (such as structural, functional, and spatial information, amino acid conservation, physicochemical variation, residue mobility, and thermodynamic stability) performed at Invitae indicates that this missense variant is expected to disrupt SCN1A protein function. ClinVar contains an entry for this variant (Variation ID: 808859). This missense change has been observed in individual(s) with SCN1A-related conditions (Invitae). This variant is not present in population databases (gnomAD no frequency). This sequence change replaces glutamic acid, which is acidic and polar, with lysine, which is basic and polar, at codon 1238 of the SCN1A protein (p.Glu1238Lys).

CeGaT Center for Human Genetics Tuebingen
Classification: Uncertain significance. Last evaluated: 2019-03-01. Review status: criteria provided, single submitter. Criteria: CeGaT Center For Human Genetics Tuebingen Variant Classification Criteria Version 2. Collection method: clinical testing. Allele origin: germline. Affected: yes. Observed: 1 variant allele.